The following is an entry in ClinVar:

NM_004946.3(DOCK2):c.4878C>T (p.Asp1626=)

Gene: DOCK2 (dedicator of cytokinesis 2; plus strand). Cytogenetic location: 5q35.1.
Variant type: single nucleotide variant.
Coding change: c.4878C>T on transcript NM_004946.3 (MANE Select); coding-DNA position 4878, C replaced by T.
Protein change: p.Asp1626=; no amino-acid change (aspartic acid 1626 retained).
Molecular consequence: synonymous variant. On other transcripts: non-coding transcript variant (1).
Genome position (GRCh38, 1-based): chr5:170,077,721, C>T. VCF-style: chr5-170077721-C-T. GRCh37 (hg19) VCF-style: chr5-169504725-C-T.
Identifiers: ClinVar variation 779706 (VCV000779706.24), dbSNP rs201318538, ClinGen allele CA3554689.
Genomic context (GRCh38, chr5:170,077,721, plus strand): 5'-CCACCTTCCCCAGGCTACAGCTGCTAACCACCCTGTTCTCCCACCACAGCCTGACTTTGA[C>T]GACAGGAGAGTGGGCCGTCCCAGGTCTATGCTGCGCTCATACAGACAGATGTCCATCATC-3'
Protein context (NP_004937.1, residues 1616-1636): EYGVREMPDF[Asp1626=]DRRVGRPRSM

ClinVar aggregate classification (germline): Likely benign. Review status: criteria provided, multiple submitters, no conflicts (2 of 4 stars). 3 submissions from 3 submitters: Likely benign (3). Last evaluated 2025-12-27.

Conditions:
DOCK2 deficiency. Also called: Immunodeficiency 40. Identifiers: Orphanet 447737, MedGen C4225328, MONDO:0014637, OMIM 616433.

Allele frequency attached by ClinVar (database versions not stated): gnomAD 0.00004; TOPMed 0.00006; ExAC 0.00007; gnomAD exomes 0.00007; ESP Exome Variant Server 0.00008.

Submissions (3):

Labcorp Genetics (formerly Invitae), Labcorp
Classification: Likely benign for DOCK2 deficiency. Last evaluated: 2025-12-27. Review status: criteria provided, single submitter. Criteria: Invitae Variant Classification Sherloc (09022015). Collection method: clinical testing. Allele origin: germline.

CeGaT Center for Human Genetics Tuebingen
Classification: Likely benign. Last evaluated: 2024-12-01. Review status: criteria provided, single submitter. Criteria: CeGaT Center For Human Genetics Tuebingen Variant Classification Criteria Version 2. Collection method: clinical testing. Allele origin: germline. Affected: yes. Observed: 1 variant allele.
Comment: DOCK2: BP4, BP7

Blueprint Genetics
Classification: Likely benign. Last evaluated: 2024-10-23. Review status: criteria provided, single submitter. Criteria: ACMG Guidelines, 2015. Collection method: clinical testing. Allele origin: germline.